The following is an entry in ClinVar:

ClinVar aggregate classification (germline): Uncertain significance (1 of 4 stars; one submission).

Conditions:
Cataract. Also called: Cataract (disease); cataracts. Identifiers: MedGen C0086543, MeSH D002386, MONDO:0005129, HP:0000518.

gnomAD v4.1: 4 of 1,614,146 alleles (0.00025%); highest among the groups gnomAD compares: Non-Finnish European, 0.00034%; no homozygotes.

Submission:

Dept. Genetics and Cancer, Menzies Institute for Medical Research, University of Tasmania
Classification: Uncertain significance for Cataract. Last evaluated: 2024-05-22. Review status: criteria provided, single submitter. Criteria: ACMG Guidelines, 2015. Collection method: research. Allele origin: germline. Affected: yes. Observed: 1 variant allele.
Comment: SLC7A8 NM_012244.4:c.289G>A p.(Gly97Arg). ACMG-AMP criteria: PP3_Strong. Multiple lines of computational evidence suggest a deleterious effect (REVEL=0.954).

NM_012244.4(SLC7A8):c.289G>A (p.Gly97Arg)

Gene: SLC7A8 (solute carrier family 7 member 8; minus strand). Cytogenetic location: 14q11.2.
Variant type: single nucleotide variant.
Coding change: c.289G>A on transcript NM_012244.4 (MANE Select); coding-DNA position 289, G replaced by A.
Protein change: p.Gly97Arg; replaces glycine 97 with arginine.
Molecular consequence: missense variant.
Genome position (GRCh38, 1-based): chr14:23,166,403, C>T on the plus strand (G>A on the coding strand, the complement: SLC7A8 is on the minus strand). VCF-style: chr14-23166403-C-T. GRCh37 (hg19) VCF-style: chr14-23635612-C-T.
Other names: short protein forms G97R.
Identifiers: ClinVar variation 3253729 (VCV003253729.2).